The following is an entry in ClinVar:

NM_001277115.2(DNAH11):c.106GAG[6] (p.Glu40_Asn41insGlu)

Gene: DNAH11 (dynein axonemal heavy chain 11; plus strand). Cytogenetic location: 7p15.3.
Variant type: Microsatellite.
Coding change: c.106GAG[6] on transcript NM_001277115.2 (MANE Select); six copies in a row of the 3-base unit GAG starting at c.106; the reference has five copies in a row; one copy, 3 bases duplicated; also written c.118_120dup.
Protein change: p.Glu40_Asn41insGlu.
Molecular consequence: inframe insertion. On other transcripts: inframe indel (1).
Genome position (GRCh38, 1-based): chr7:21,543,363-21,543,365, GAG duplicated; duplicating any 3 consecutive bases within chr7:21,543,351-21,543,365 gives the same sequence; the position shown is the placement nearest the transcript's 3' end. VCF-style (leftmost placement, unchanged base first): chr7-21543350-C-CGAG. GRCh37 (hg19) VCF-style: chr7-21582968-C-CGAG.
Other names: c.106_108GAG[6], p.Glu40_Asn41insGlu (NM_003777.3); c.118_120dup (NM_001277115.1).
Identifiers: ClinVar variation 2040497 (VCV002040497.2), dbSNP rs754826899, ClinGen allele CA454138892.
Genomic context (GRCh38, chr7:21,543,350, plus strand): 5'-AGCCCCGACCCTTCGCCTAACCTCGGGGGCCGGCCTGGAGGCAGTGGGCGCTGTGGAGCT[C>CGAG]GAGGAGGAGGAGGAGAACGAGGAGGAGGCGGCGGCCAGGAGAGCGCGGAGTTTCGCCCAA-3'

ClinVar aggregate classification (germline): Uncertain significance. Review status: criteria provided, multiple submitters, no conflicts (2 of 4 stars). 2 submissions from 2 submitters: Uncertain significance (2). Last evaluated 2026-02-18.

Conditions:
Primary ciliary dyskinesia. Also called: Ciliary dyskinesia. Identifiers: Orphanet 244, MedGen C0008780, MONDO:0016575, HP:0012265.

Submissions (2):

GeneDx
Classification: Uncertain significance. Last evaluated: 2026-02-18. Review status: criteria provided, single submitter. Criteria: GeneDx Variant Classification Process June 2021. Collection method: clinical testing. Allele origin: germline.
Comment: In-frame duplication of 1 amino acid(s) in a non-repeat region; Has not been previously published as pathogenic or benign to our knowledge

Labcorp Genetics (formerly Invitae), Labcorp
Classification: Uncertain significance for Primary ciliary dyskinesia. Last evaluated: 2022-06-18. Review status: criteria provided, single submitter. Criteria: Invitae Variant Classification Sherloc (09022015). Collection method: clinical testing. Allele origin: germline.
Comment: This variant, c.118_120dup, results in the insertion of 1 amino acid(s) of the DNAH11 protein (p.Glu40dup), but otherwise preserves the integrity of the reading frame. This variant is present in population databases (no rsID available, gnomAD 0.01%). This variant has not been reported in the literature in individuals affected with DNAH11-related conditions. In summary, the available evidence is currently insufficient to determine the role of this variant in disease. Therefore, it has been classified as a Variant of Uncertain Significance.